The following is an entry in ClinVar:

ClinVar aggregate classification (germline): Pathogenic. Review status: criteria provided, multiple submitters, no conflicts (2 of 4 stars). 3 submissions from 3 submitters: Pathogenic (2). 1 of the submissions does not count toward it. Last evaluated 2020-01-16.

Conditions:
PHOX2B-related disorder. Also called: PHOX2B-related condition.
Hereditary cancer-predisposing syndrome. Also called: Tumor predisposition; Neoplastic Syndromes, Hereditary; Hereditary neoplastic syndrome; Hereditary Cancer Syndrome. Identifiers: Orphanet 140162, MedGen C0027672, MeSH D009386, MONDO:0015356.
Congenital central hypoventilation. Also called: Congenital Central Hypoventilation Syndrome. Identifiers: Orphanet 661, Orphanet 99803, MedGen C1275808, MONDO:0800031. Disease mechanism: gain of function.

Submissions (3):

Rady Children's Institute for Genomic Medicine, Rady Children's Hospital San Diego
Classification: Pathogenic for CENTRAL HYPOVENTILATION SYNDROME, CONGENITAL. Last evaluated: 2020-01-16. Review status: criteria provided, single submitter. Criteria: ACMG Guidelines, 2015. Collection method: clinical testing. Allele origin: germline. Affected: yes.
Comment: This variant is located within the polyalanine tract in exon 3 of the PHOX2B gene and is expected to result in an expansion event. Repeat expansions within the polyalanine tract in the PHOX2B gene are an established mechanism of disease and have been previously reported in patients with Congenital Central Hypoventilation Syndrome (PMID: 12640453, 14566559, 14608649, 15121777). Orthogonal confirmation is pending. Based on the available evidence, the c.738_776dup (p.Ala248_Ala260dup) variant is classified as Pathogenic.

Ambry Genetics
Classification: Pathogenic for Hereditary cancer-predisposing syndrome. Last evaluated: 2018-01-17. Review status: criteria provided, single submitter. Criteria: Ambry Variant Classification Scheme 2023. Collection method: clinical testing. Allele origin: germline.
Comment: The p.Ala241[33] pathogenic mutation, located in coding exon 3 of the PHOX2B gene, results from an expansion of the polyalanine repeat region from 20 to 33 repeats. This expansion mutation is associated with congenital central hypoventilation syndrome (Matera I et al. J. Med. Genet., 2004 May;41:373-80). Based on the supporting evidence, this alteration is interpreted as a disease-causing mutation.

PreventionGenetics, part of Exact Sciences
Classification: Pathogenic for PHOX2B-related condition. Last evaluated: 2024-03-13. Review status: no assertion criteria provided. Collection method: clinical testing. Allele origin: germline. Not counted in ClinVar's aggregate classification.
Comment: The PHOX2B c.738_776dup39 variant is predicted to result in an in-frame duplication (p.Ala248_Ala260dup). This duplication causes an expansion of the polyalanine repeat region from 20 polyalanine repeats (normal) to 33 repeats, which is consistent with a diagnosis of congenital central hypoventilation syndrome (Sasaki et al. 2003. PubMed ID: 14566559; Matera et al. 2004. PubMed ID: 15121777). This variant is interpreted as pathogenic.

Literature cited by the submitters: PubMed 15121777 (cited by Ambry Genetics).

NM_003924.4(PHOX2B):c.738_776dup (p.Ala248_Ala260dup)

Genes: PHOX2B (paired like homeobox 2B; minus strand), LOC110011216 (paired like homeobox 2b polyalanine repeat instability region; plus strand). Cytogenetic location: 4p13.
Variant type: Duplication.
Coding change: c.738_776dup on transcript NM_003924.4 (MANE Select); coding-DNA positions 738 to 776, 39 bases duplicated.
Protein change: p.Ala248_Ala260dup.
Molecular consequence: inframe insertion.
Genome position (GRCh38, 1-based): chr4:41,745,976-41,746,014, 39 bases duplicated; duplicating any 39 consecutive bases within chr4:41,745,976-41,746,025 gives the same sequence; the c. name uses the placement nearest the transcript's 3' end. GRCh37 (hg19): chr4:41,748,004-41,748,042.
Other names: c.738_776dupGGCCGCGGCAGCGGCGGCGGCGGCAGCGGCAGCGGCGGC (NM_003924.3).
Identifiers: ClinVar variation 984923 (VCV000984923.4), dbSNP rs757020181, ClinGen allele CA95828409.